The following is an entry in ClinVar:

ClinVar aggregate classification (germline): Pathogenic/Likely pathogenic. Review status: criteria provided, multiple submitters, no conflicts (2 of 4 stars). 5 submissions from 5 submitters: Pathogenic (3); Likely pathogenic (2). Last evaluated 2026-04-30.

Conditions:
GUSB-related disorder. Also called: GUSB-related condition.
Mucopolysaccharidosis type 7 (MPS7). Also called: BETA-GLUCURONIDASE DEFICIENCY; GUSB DEFICIENCY; SLY SYNDROME; MPS VII. Identifiers: Orphanet 584, MedGen C0085132, MONDO:0009662, OMIM 253220.

Allele frequency attached by ClinVar (database versions not stated): gnomAD exomes 0.00001; TOPMed 0.00001.

Submissions (5):

PreventionGenetics, part of Exact Sciences
Classification: Likely pathogenic for GUSB-related condition. Last evaluated: 2026-04-30. Review status: criteria provided, single submitter. Criteria: ACMG Guidelines, 2015. Collection method: clinical testing. Allele origin: germline.
Comment: The GUSB c.328C>T variant is predicted to result in premature protein termination (p.Arg110*). This variant was reported in the compound heterozygous state with a second potentially causative GUSB variant in an individual with mucopolysaccharidosis VII with functional studies showing this variant caused reduced mRNA stability (Vervoort et al. 1997. PubMed ID: 9099834). This variant has not been reported in a large population database (gnomAD), indicating this variant is rare. Nonsense variants in GUSB are expected to be pathogenic. This variant is interpreted as likely pathogenic.

New York Genome Center
Classification: Pathogenic for Mucopolysaccharidosis type 7. Last evaluated: 2024-10-17. Review status: criteria provided, single submitter. Criteria: NYGC Assertion Criteria 2020. Collection method: clinical testing. Allele origin: inherited. Affected: yes. Observed: 1 variant allele, 1 compound heterozygote.
Comment: The c.328C>T variant in GUSB has previously been reported in a fetus with hydrops in trans with a second pathogenic variant [PMID: 9099834], and has been deposited in Clinvar by multiple submitters as Pathogenic without affected status provided [Clinvar ID: 501147]. The c.328C>T variant is observed in 3 alleles(~0.00019% total population allele frequency with no homozygotes) in gnomad v4.1.0, suggesting it is not a common benign variant in the populations represented in that dataset. The c.328C>T variant in GUSB is located in exon 2 of this 12-exon gene and predicted to incorporate a premature stop codon at amino acid 110 of this 651-amino acid transcript (p.(Arg110Ter), and predicted to result in loss-of-function via nonsense mediated decay. In one study, cDNA analysis from a patient carrying the c.328C>T variant demonstrated lack of stable c.328C>T transcripts [PMID: 9099834]. Predicted loss-of-function variants upstream and downstream of this variant have been reported in affected individuals in the literature [PMID: 38442846, 8644704]. Based on available evidence the c.328C>T p.(Arg110Ter) stop-gain variant identified in GUSB is classified as Pathogenic.

Fulgent Genetics
Classification: Likely pathogenic for Mucopolysaccharidosis type 7. Last evaluated: 2024-03-29. Review status: criteria provided, single submitter. Criteria: ACMG Guidelines, 2015. Collection method: clinical testing. Allele origin: germline.

Revvity Omics, Revvity
Classification: Pathogenic for Mucopolysaccharidosis type 7. Last evaluated: 2019-04-25. Review status: criteria provided, single submitter. Criteria: ACMG Guidelines, 2015. Collection method: clinical testing. Allele origin: germline.

Eurofins Ntd Llc (ga)
Classification: Pathogenic. Last evaluated: 2017-03-30. Review status: criteria provided, single submitter. Criteria: EGL Classification Definitions 2015. Collection method: clinical testing. Allele origin: germline. Observed: 1 variant allele, 1 heterozygote.

Literature cited by the submitters: PubMed 9099834 (cited by New York Genome Center).

NM_000181.4(GUSB):c.328C>T (p.Arg110Ter)

Gene: GUSB (glucuronidase beta; minus strand). Cytogenetic location: 7q11.21.
Variant type: single nucleotide variant.
Coding change: c.328C>T on transcript NM_000181.4 (MANE Select); coding-DNA position 328, C replaced by T.
Protein change: p.Arg110Ter; replaces arginine 110 with a stop codon.
Molecular consequence: nonsense. On other transcripts: 5 prime UTR variant (2), non-coding transcript variant (1).
Genome position (GRCh38, 1-based): chr7:65,980,292, G>A on the plus strand (C>T on the coding strand, the complement: GUSB is on the minus strand). VCF-style: chr7-65980292-G-A. GRCh37 (hg19) VCF-style: chr7-65445279-G-A.
Other names: c.328C>T, p.Arg110Ter (NM_001284290.2); c.-58C>T (NM_001293104.2); c.-2C>T (NM_001293105.2); short protein forms R110*.
Identifiers: ClinVar variation 501147 (VCV000501147.12), dbSNP rs1053785648, ClinGen allele CA159910371.